The following is an entry in ClinVar:

NM_018444.4(PDP1):c.-45+732_-45+733insGCCGCCGCCTCCTC

Genes: PDP1 (pyruvate dehydrogenase phosphatase catalytic subunit 1; plus strand), LOC130000735 (ATAC-STARR-seq lymphoblastoid silent region 19361; plus strand). Cytogenetic location: 8q22.1.
Variant type: Insertion.
Coding change: c.-45+732_-45+733insGCCGCCGCCTCCTC on transcript NM_018444.4 (MANE Select); bases 732 to 733 of the intron after 45 bases upstream of the start codon, GCCGCCGCCTCCTC inserted.
Molecular consequence: intron variant.
Genome position: GRCh38 VCF-style: chr8-93917811-T-TGCCGCCGCCTCCTC. GRCh37 (hg19) VCF-style: chr8-94930039-T-TGCCGCCGCCTCCTC.
Other names: c.-4-100_-4-99insGCCGCCGCCTCCTC (NM_001161779.2, NM_001161780.2); c.-45+593_-45+594insGCCGCCGCCTCCTC (NM_001161781.2).
Identifiers: ClinVar variation 214973 (VCV000214973.1), dbSNP rs863224159, ClinGen allele CA323242.

ClinVar aggregate classification (germline): Uncertain significance (1 of 4 stars; one submission).

Submission:

GeneDx
Classification: Uncertain significance. Last evaluated: 2013-06-19. Review status: criteria provided, single submitter. Criteria: GeneDx Variant Classification (06012015). Collection method: clinical testing. Allele origin: germline. Affected: yes.
Comment: NM_018444.3;IVS1+732_IVS1+733insGCCGCCGCCTCCTC;c.-45+732_-45+733insGCCGCCGCCTCCTC. A variant of unknown significance has been identified in the PDP1 gene. The c.-45+732_-45+733insGCCGCCGCCTCCTC variant has not been published as a mutation, nor has it been reported as a benign polymorphism to our knowledge. Mutations in the promoter region of the PDP1 gene have not been reported previously to our knowledge. We can not predict what effect c.-45+732_-45+733insGCCGCCGCCTCCTC may have on the transcription of the gene or the resultant protein. Therefore, based on the currently available information, it is unclear whether c.-45+732_-45+733insGCCGCCGCCTCCTC is a disease-causing mutation or a rare benign variant. The variant is found in MITONUC-MITOP panel(s).